The following is an entry in ClinVar:

ClinVar aggregate classification (germline): Uncertain significance (1 of 4 stars; one submission).

Conditions:
3-methylglutaconic aciduria, type VIIB (MGCA7B). Also called: CLPB Deficiency; 3-methylglutaconic aciduria with cataracts, neurologic involvement and neutropenia; 3-methylglutaconic aciduria, type VII, with cataracts, neurologic involvement and neutropenia. Identifiers: Orphanet 445038, MedGen C5676893, MONDO:0014561, OMIM 616271.

gnomAD v4.1: 7 of 1,612,034 alleles (0.00043%); highest among the groups gnomAD compares: African/African-American, 0.0013%; no homozygotes.

Submission:

Labcorp Genetics (formerly Invitae), Labcorp
Classification: Uncertain significance for 3-methylglutaconic aciduria, type VIIB. Last evaluated: 2025-04-10. Review status: criteria provided, single submitter. Criteria: Invitae Variant Classification Sherloc (09022015). Collection method: clinical testing. Allele origin: germline.
Comment: This sequence change replaces arginine, which is basic and polar, with cysteine, which is neutral and slightly polar, at codon 335 of the CLPB protein (p.Arg335Cys). This variant is not present in population databases (gnomAD no frequency). This variant has not been reported in the literature in individuals affected with CLPB-related conditions. An algorithm developed to predict the effect of missense changes on protein structure and function (PolyPhen-2) suggests that this variant is likely to be disruptive. In summary, the available evidence is currently insufficient to determine the role of this variant in disease. Therefore, it has been classified as a Variant of Uncertain Significance.

NM_001258392.3(CLPB):c.913C>T (p.Arg305Cys)

Gene: CLPB (ClpB family mitochondrial disaggregase; minus strand). Cytogenetic location: 11q13.4.
Variant type: single nucleotide variant.
Coding change: c.913C>T on transcript NM_001258392.3 (MANE Select); coding-DNA position 913, C replaced by T.
Protein change: p.Arg305Cys; replaces arginine 305 with cysteine.
Molecular consequence: missense variant.
Genome position (GRCh38, 1-based): chr11:72,317,181, G>A on the plus strand (C>T on the coding strand, the complement: CLPB is on the minus strand). VCF-style: chr11-72317181-G-A. GRCh37 (hg19) VCF-style: chr11-72028225-G-A.
Other names: c.826C>T, p.Arg276Cys (NM_001258393.3); c.868C>T, p.Arg290Cys (NM_001258394.3); c.1003C>T, p.Arg335Cys (NM_030813.6); short protein forms R305C, R335C, R276C, R290C.
Identifiers: ClinVar variation 4760159 (VCV004760159.1).